The following is an entry in ClinVar:

NM_198428.3(BBS9):c.397A>G (p.Arg133Gly)

Gene: BBS9 (Bardet-Biedl syndrome 9; plus strand). Cytogenetic location: 7p14.3.
Variant type: single nucleotide variant.
Coding change: c.397A>G on transcript NM_198428.3 (MANE Select); coding-DNA position 397, A replaced by G.
Protein change: p.Arg133Gly; replaces arginine 133 with glycine.
Molecular consequence: missense variant. On other transcripts: non-coding transcript variant (3).
Genome position (GRCh38, 1-based): chr7:33,177,546, A>G. VCF-style: chr7-33177546-A-G. GRCh37 (hg19) VCF-style: chr7-33217158-A-G.
Other names: c.397A>G (NM_198428.2); c.397A>G, p.Arg133Gly (NM_001033604.2, NM_001033605.2, NM_001348036.1 and 5 more transcripts); c.31A>G, p.Arg11Gly (NM_001348037.3, NM_001348044.3, NM_001348045.3 and 1 more transcripts); c.124A>G, p.Arg42Gly (NM_001348038.3, NM_001348039.3); c.262A>G, p.Arg88Gly (NM_001348042.3); short protein forms R88G, R133G, R11G, R42G.
Identifiers: ClinVar variation 1525522 (VCV001525522.12), dbSNP rs759120113, ClinGen allele CA4213978.
Genomic context (GRCh38, chr7:33,177,546, plus strand): 5'-GGTAATGTGGAACATGGGAACCAATGTCAGATGAAATTGATGTATGAACATAATCTTCAG[A>G]GAACAGCCTGCAATATGACCTATGGATCATTTGGTGGTGTAAAAGGTAATTTGCTTTTAA-3'
Protein context (NP_940820.1, residues 123-143): MKLMYEHNLQ[Arg133Gly]TACNMTYGSF

ClinVar aggregate classification (germline): Uncertain significance. Review status: criteria provided, multiple submitters, no conflicts (2 of 4 stars). 5 submissions from 5 submitters: Uncertain significance (5). Last evaluated 2025-07-21.

Conditions:
BBS9-related disorder. Also called: BBS9-related condition.
Bardet-Biedl syndrome (BBS). Identifiers: Orphanet 110, MedGen C0752166, MONDO:0015229.
Bardet-Biedl syndrome 9 (BBS9). Identifiers: Orphanet 110, MedGen C1859567, MONDO:0014437, OMIM 615986.
Inborn genetic diseases. Identifiers: MedGen C0950123, MeSH D030342.

Allele frequency attached by ClinVar (database versions not stated): gnomAD 0.00001.
gnomAD v4.1: 10 of 1,613,632 alleles (0.00062%); highest among the groups gnomAD compares: Admixed American, 0.017%; no homozygotes.

Submissions (5):

PreventionGenetics, part of Exact Sciences
Classification: Uncertain significance for BBS9-related condition. Last evaluated: 2025-07-21. Review status: criteria provided, single submitter. Criteria: ACMG Guidelines, 2015. Collection method: clinical testing. Allele origin: germline.
Comment: The BBS9 c.397A>G variant is predicted to result in the amino acid substitution p.Arg133Gly. To our knowledge, this variant has not been reported in the literature. This variant is reported in 0.017% of alleles in individuals of Latino descent in gnomAD. At this time, the clinical significance of this variant is uncertain due to the absence of conclusive functional and genetic evidence.

Ambry Genetics
Classification: Uncertain significance for Inborn genetic diseases. Last evaluated: 2025-06-07. Review status: criteria provided, single submitter. Criteria: Ambry Variant Classification Scheme 2023. Collection method: clinical testing. Allele origin: germline.

Fulgent Genetics
Classification: Uncertain significance for Bardet-Biedl syndrome 9. Last evaluated: 2024-05-16. Review status: criteria provided, single submitter. Criteria: ACMG Guidelines, 2015. Collection method: clinical testing. Allele origin: germline.

Labcorp Genetics (formerly Invitae), Labcorp
Classification: Uncertain significance for Bardet-Biedl syndrome. Last evaluated: 2024-01-18. Review status: criteria provided, single submitter. Criteria: Invitae Variant Classification Sherloc (09022015). Collection method: clinical testing. Allele origin: germline.
Comment: This sequence change replaces arginine, which is basic and polar, with glycine, which is neutral and non-polar, at codon 133 of the BBS9 protein (p.Arg133Gly). This variant is present in population databases (rs759120113, gnomAD 0.02%). This variant has not been reported in the literature in individuals affected with BBS9-related conditions. ClinVar contains an entry for this variant (Variation ID: 1525522). Advanced modeling of protein sequence and biophysical properties (such as structural, functional, and spatial information, amino acid conservation, physicochemical variation, residue mobility, and thermodynamic stability) performed at Invitae indicates that this missense variant is expected to disrupt BBS9 protein function with a positive predictive value of 80%. In summary, the available evidence is currently insufficient to determine the role of this variant in disease. Therefore, it has been classified as a Variant of Uncertain Significance.

Blueprint Genetics
Classification: Uncertain significance. Last evaluated: 2022-05-09. Review status: criteria provided, single submitter. Criteria: ACMG Guidelines, 2015. Collection method: clinical testing. Allele origin: germline.